The following is an entry in ClinVar:

NM_004082.5(DCTN1):c.3461A>G (p.Gln1154Arg)

Gene: DCTN1 (dynactin subunit 1; minus strand). Cytogenetic location: 2p13.1.
Variant type: single nucleotide variant.
Coding change: c.3461A>G on transcript NM_004082.5 (MANE Select); coding-DNA position 3461, A replaced by G.
Protein change: p.Gln1154Arg; replaces glutamine 1154 with arginine.
Molecular consequence: missense variant. On other transcripts: non-coding transcript variant (1).
Genome position (GRCh38, 1-based): chr2:74,363,062, T>C on the plus strand (A>G on the coding strand, the complement: DCTN1 is on the minus strand). VCF-style: chr2-74363062-T-C. GRCh37 (hg19) VCF-style: chr2-74590189-T-C.
Other names: c.3386A>G, p.Gln1129Arg (NM_001135040.3); c.3044A>G, p.Gln1015Arg (NM_001135041.3); c.3335A>G, p.Gln1112Arg (NM_001190836.2); c.3440A>G, p.Gln1147Arg (NM_001190837.2); c.3410A>G, p.Gln1137Arg (NM_001378991.1); c.3392A>G, p.Gln1131Arg (NM_001378992.1); c.3059A>G, p.Gln1020Arg (NM_023019.4); short protein forms Q1020R, Q1129R, Q1137R, Q1154R, Q1112R, Q1015R, Q1147R, Q1131R.
Identifiers: ClinVar variation 943070 (VCV000943070.10), dbSNP rs1674134327, ClinGen allele CA347337189.
Genomic context (GRCh38, chr2:74,363,062, plus strand): 5'-GTGCGAGTGATGTCTACTACGTGCGTGTGTGTGCTCAATTGATTCAATGTCTCCAGCAGC[T>C]GGCTGGTCTTACGATACAGCGCTCCAGCTGGTAACTCACTGCCAGGGCCCTCATGGGATA-3'
Protein context (NP_004073.2, residues 1144-1164): PAGALYRKTS[Gln1154Arg]LLETLNQLST

ClinVar aggregate classification (germline): Uncertain significance (1 of 4 stars; one submission).

Conditions:
Neuronopathy, distal hereditary motor, type 7B. Also called: Distal Hereditary Motor Neuronopathy Type 7B (dHMN7B); HMN VIIB; NEURONOPATHY, DISTAL HEREDITARY MOTOR, AUTOSOMAL DOMINANT 14; NEURONOPATHY, DISTAL HEREDITARY MOTOR, HARDING TYPE VIIB; NEUROPATHY, DISTAL HEREDITARY MOTOR, HARDING TYPE VIIB; NEUROPATHY, DISTAL HEREDITARY MOTOR, WITH VOCAL CORD PARALYSIS, HARDING TYPE VIIB. Identifiers: Orphanet 139589, MedGen C1843315, MONDO:0011879, OMIM 607641.
Amyotrophic lateral sclerosis type 1 (ALS1). Also called: AMYOTROPHIC LATERAL SCLEROSIS 1, FAMILIAL. Identifiers: Orphanet 803, MedGen C1862939, MONDO:0007103, OMIM 105400.
Perry syndrome. Also called: PARKINSONISM WITH ALVEOLAR HYPOVENTILATION AND MENTAL DEPRESSION. Identifiers: Orphanet 178509, MedGen C1868594, MONDO:0008201, OMIM 168605.

Allele frequency attached by ClinVar (database versions not stated): TOPMed 0.00001.

Submission:

Labcorp Genetics (formerly Invitae), Labcorp
Classification: Uncertain significance for Amyotrophic lateral sclerosis type 1; Neuronopathy, distal hereditary motor, type 7B; Perry syndrome. Last evaluated: 2022-08-16. Review status: criteria provided, single submitter. Criteria: Invitae Variant Classification Sherloc (09022015). Collection method: clinical testing. Allele origin: germline.
Comment: In summary, the available evidence is currently insufficient to determine the role of this variant in disease. Therefore, it has been classified as a Variant of Uncertain Significance. Algorithms developed to predict the effect of missense changes on protein structure and function are either unavailable or do not agree on the potential impact of this missense change (SIFT: "Deleterious"; PolyPhen-2: "Benign"; Align-GVGD: "Class C35"). ClinVar contains an entry for this variant (Variation ID: 943070). This variant has not been reported in the literature in individuals affected with DCTN1-related conditions. This variant is not present in population databases (gnomAD no frequency). This sequence change replaces glutamine, which is neutral and polar, with arginine, which is basic and polar, at codon 1154 of the DCTN1 protein (p.Gln1154Arg).